The following is an entry in ClinVar:

NM_001303256.3(MORC2):c.122+4T>C

Gene: MORC2 (MORC family CW-type zinc finger 2; minus strand). Cytogenetic location: 22q12.2.
Variant type: single nucleotide variant.
Coding change: c.122+4T>C on transcript NM_001303256.3 (MANE Select); 4 bases into the intron after coding-DNA position 122, T replaced by C.
Molecular consequence: intron variant.
Genome position (GRCh38, 1-based): chr22:30,958,637, A>G on the plus strand (T>C on the coding strand, the complement: MORC2 is on the minus strand). VCF-style: chr22-30958637-A-G. GRCh37 (hg19) VCF-style: chr22-31354623-A-G.
Other names: c.122+4T>C (NM_001303257.2); c.-65+4T>C (NM_014941.3).
Identifiers: ClinVar variation 1752861 (VCV001752861.2), dbSNP rs1379489326, ClinGen allele CA752377102.
Genomic context (GRCh38, chr22:30,958,637, plus strand): 5'-AAGGTCACAGCTACCTAAAGTGTTTCCACTTCAAGCACAGATTGTATGCCTGAAGACTAC[A>G]TACCTTGCATTATCAACCAGTTCAGCAAGGGCACCAAACAAGAATTCGTGAGTGGTTCTG-3'

ClinVar aggregate classification (germline): Uncertain significance (1 of 4 stars; one submission).

Conditions:
Inborn genetic diseases. Identifiers: MedGen C0950123, MeSH D030342.

Allele frequency attached by ClinVar (database versions not stated): gnomAD exomes below 0.00001; gnomAD 0.00001; TOPMed 0.00001.
gnomAD v4.1: 2 of 1,546,774 alleles (0.00013%); highest among the groups gnomAD compares: African/African-American, 0.0027%; no homozygotes.

Submission:

Ambry Genetics
Classification: Uncertain significance for Inborn genetic diseases. Last evaluated: 2021-11-29. Review status: criteria provided, single submitter. Criteria: Ambry Variant Classification Scheme 2023. Collection method: clinical testing. Allele origin: germline.
Comment: The c.122+4T>C intronic variant results from a T to C substitution 4 nucleotides after coding exon 2 in the MORC2 gene. This nucleotide position is well conserved in available vertebrate species. In silico splice site analysis predicts that this alteration will not have any significant effect on splicing. Since supporting evidence is limited at this time, the clinical significance of this alteration remains unclear.